The following is an entry in ClinVar:

ClinVar aggregate classification (germline): Uncertain significance (1 of 4 stars; one submission).

Conditions:
Dyskeratosis congenita, autosomal dominant 2. Identifiers: MedGen C3151443, MONDO:0013521, OMIM 613989.
Idiopathic Pulmonary Fibrosis. Also called: Idiopathic fibrosing alveolitis, chronic form; idiopathic fibrosing alveolitis. Identifiers: Orphanet 2032, MedGen C1800706, MeSH D054990, MONDO:0800504.

Submission:

Labcorp Genetics (formerly Invitae), Labcorp
Classification: Uncertain significance for Dyskeratosis congenita, autosomal dominant 2; Idiopathic Pulmonary Fibrosis. Last evaluated: 2021-05-27. Review status: criteria provided, single submitter. Criteria: Invitae Variant Classification Sherloc (09022015). Collection method: clinical testing. Allele origin: germline.
Comment: This variant has not been reported in the literature in individuals with TERT-related conditions. Advanced modeling of protein sequence and biophysical properties (such as structural, functional, and spatial information, amino acid conservation, physicochemical variation, residue mobility, and thermodynamic stability) performed at Invitae indicates that this missense variant is not expected to disrupt TERT protein function. In summary, the available evidence is currently insufficient to determine the role of this variant in disease. Therefore, it has been classified as a Variant of Uncertain Significance. This sequence change replaces proline with serine at codon 313 of the TERT protein (p.Pro313Ser). The proline residue is moderately conserved and there is a moderate physicochemical difference between proline and serine. This variant is not present in population databases (ExAC no frequency).

NM_198253.3(TERT):c.937C>T (p.Pro313Ser)

Gene: TERT (telomerase reverse transcriptase; minus strand). Cytogenetic location: 5p15.33.
Variant type: single nucleotide variant.
Coding change: c.937C>T on transcript NM_198253.3 (MANE Select); coding-DNA position 937, C replaced by T.
Protein change: p.Pro313Ser; replaces proline 313 with serine.
Molecular consequence: missense variant. On other transcripts: non-coding transcript variant (2).
Genome position (GRCh38, 1-based): chr5:1,293,949, G>A on the plus strand (C>T on the coding strand, the complement: TERT is on the minus strand). VCF-style: chr5-1293949-G-A. GRCh37 (hg19) VCF-style: chr5-1294064-G-A.
Other names: c.937C>T, p.Pro313Ser (NM_001193376.3); short protein forms P313S.
Identifiers: ClinVar variation 1370734 (VCV001370734.8), dbSNP rs2126686771, ClinGen allele CA359056121.
Genomic context (GRCh38, chr5:1,293,949, plus strand): 5'-AGAGGAAGTGCTTGGTCTCGGCGTACACCGGGGGACAAGGCGTGTCCCAGGGACGTGGTG[G>A]CCGCGATGTGGATGGGGGGCCCGCGTGGTGCTGGCGGCCCACGGATGGGTGGGAGTGGCG-3'
Protein context (NP_937983.2, residues 303-323): HHAGPPSTSR[Pro313Ser]PRPWDTPCPP